The following is an entry in ClinVar:

NM_152594.3(SPRED1):c.14C>G (p.Thr5Arg)

Gene: SPRED1 (sprouty related EVH1 domain containing 1; plus strand). Cytogenetic location: 15q14.
Variant type: single nucleotide variant.
Coding change: c.14C>G on transcript NM_152594.3 (MANE Select); coding-DNA position 14, C replaced by G.
Protein change: p.Thr5Arg; replaces threonine 5 with arginine.
Molecular consequence: missense variant.
Genome position (GRCh38, 1-based): chr15:38,253,199, C>G. VCF-style: chr15-38253199-C-G. GRCh37 (hg19) VCF-style: chr15-38545400-C-G.
Other names: short protein forms T5R.
Identifiers: ClinVar variation 1309782 (VCV001309782.3), dbSNP rs2140943407, ClinGen allele CA391931822.

ClinVar aggregate classification (germline): Uncertain significance. Review status: criteria provided, multiple submitters, no conflicts (2 of 4 stars). 2 submissions from 2 submitters: Uncertain significance (2). Last evaluated 2025-04-04.

Conditions:
Cardiovascular phenotype. Identifiers: MedGen CN230736.

gnomAD v4.1: 1 of 1,580,824 alleles (0.000063%); highest among the groups gnomAD compares: South Asian, 0.0012%; no homozygotes.

Submissions (2):

Ambry Genetics
Classification: Uncertain significance for Cardiovascular phenotype. Last evaluated: 2025-04-04. Review status: criteria provided, single submitter. Criteria: Ambry Variant Classification Scheme 2023. Collection method: clinical testing. Allele origin: germline.
Comment: The p.T5R variant (also known as c.14C>G), located in coding exon 1 of the SPRED1 gene, results from a C to G substitution at nucleotide position 14. The threonine at codon 5 is replaced by arginine, an amino acid with similar properties. This amino acid position is conserved. In addition, the in silico prediction for this alteration is inconclusive. Based on the available evidence, the clinical significance of this variant remains unclear.

GeneDx
Classification: Uncertain significance. Last evaluated: 2019-11-04. Review status: criteria provided, single submitter. Criteria: GeneDx Variant Classification Process June 2021. Collection method: clinical testing. Allele origin: germline. Affected: yes.
Comment: Not observed in large population cohorts (Lek 2016); In silico analysis, which includes protein predictors and evolutionary conservation, supports that this variant does not alter protein structure/function; Has not been previously published as pathogenic or benign to our knowledge